The following is an entry in ClinVar:

ClinVar aggregate classification (germline): Uncertain significance (1 of 4 stars; one submission).

Submission:

GeneDx
Classification: Uncertain significance. Last evaluated: 2023-03-20. Review status: criteria provided, single submitter. Criteria: GeneDx Variant Classification Process June 2021. Collection method: clinical testing. Allele origin: germline. Affected: yes.
Comment: Not observed at significant frequency in large population cohorts (gnomAD); Nonsense variant predicted to result in protein truncation or nonsense mediated decay in a gene or region of a gene for which loss of function is not a well-established mechanism of disease; Has not been previously published as pathogenic or benign to our knowledge

NM_001270.4(CHD1):c.3907C>T (p.Gln1303Ter)

Gene: CHD1 (chromodomain helicase DNA binding protein 1; minus strand). Cytogenetic location: 5q15.
Variant type: single nucleotide variant.
Coding change: c.3907C>T on transcript NM_001270.4 (MANE Select); coding-DNA position 3907, C replaced by T.
Protein change: p.Gln1303Ter; replaces glutamine 1303 with a stop codon.
Molecular consequence: nonsense. On other transcripts: non-coding transcript variant (2).
Genome position (GRCh38, 1-based): chr5:98,870,758, G>A on the plus strand (C>T on the coding strand, the complement: CHD1 is on the minus strand). VCF-style: chr5-98870758-G-A. GRCh37 (hg19) VCF-style: chr5-98206462-G-A.
Other names: c.3907C>T, p.Gln1303Ter (NM_001364113.3, NM_001376194.2); short protein forms Q1303*.
Identifiers: ClinVar variation 2580388 (VCV002580388.1), dbSNP rs2479441720, ClinGen allele CA360522639.